The following is an entry in ClinVar:

ClinVar aggregate classification (germline): Uncertain significance (1 of 4 stars; one submission).

Conditions:
Intellectual developmental disorder, autosomal dominant 1. Also called: Intellectual disability, autosomal dominant 1; MBD5 Haploinsufficiency. Identifiers: Orphanet 228402, MedGen C1969562, MONDO:0007974, OMIM 156200.

Allele frequency attached by ClinVar (database versions not stated): gnomAD exomes below 0.00001.
gnomAD v4.1: 1 of 1,604,900 alleles (0.000062%); highest among the groups gnomAD compares: South Asian, 0.0011%; no homozygotes.

Submission:

Labcorp Genetics (formerly Invitae), Labcorp
Classification: Uncertain significance for Intellectual developmental disorder, autosomal dominant 1. Last evaluated: 2017-12-06. Review status: criteria provided, single submitter. Criteria: Invitae Variant Classification Sherloc (09022015). Collection method: clinical testing. Allele origin: germline.
Comment: In summary, the available evidence is currently insufficient to determine the role of this variant in disease. Therefore, it has been classified as a Variant of Uncertain Significance. Algorithms developed to predict the effect of missense changes on protein structure and function output the following: SIFT: "Tolerated"; PolyPhen-2: "Possibly Damaging"; Align-GVGD: "Class C0". The cysteine amino acid residue is found in multiple mammalian species, suggesting that this missense change does not adversely affect protein function. These predictions have not been confirmed by published functional studies and their clinical significance is uncertain. This variant has not been reported in the literature in individuals with MBD5-related disease. This variant is not present in population databases (ExAC no frequency). This sequence change replaces tyrosine with cysteine at codon 832 of the MBD5 protein (p.Tyr832Cys). The tyrosine residue is highly conserved and there is a large physicochemical difference between tyrosine and cysteine.

NM_001378120.1(MBD5):c.2495A>G (p.Tyr832Cys)

Gene: MBD5 (methyl-CpG binding domain protein 5; plus strand). Cytogenetic location: 2q23.1.
Variant type: single nucleotide variant.
Coding change: c.2495A>G on transcript NM_001378120.1 (MANE Select); coding-DNA position 2495, A replaced by G.
Protein change: p.Tyr832Cys; replaces tyrosine 832 with cysteine.
Molecular consequence: missense variant.
Genome position (GRCh38, 1-based): chr2:148,470,438, A>G. VCF-style: chr2-148470438-A-G. GRCh37 (hg19) VCF-style: chr2-149228007-A-G.
Other names: c.2495A>G, p.Tyr832Cys (NM_018328.5); short protein forms Y832C.
Identifiers: ClinVar variation 536679 (VCV000536679.9), dbSNP rs954814725, ClinGen allele CA348721988.